The following continues an entry in ClinVar:

NM_001040142.2(SCN2A):c.5317G>A (p.Ala1773Thr)

Gene: SCN2A. ClinVar aggregate classification (germline): Pathogenic. Pathogenic (1).

Submissions 7 to 14 of 14:

GeneDx
Classification: Pathogenic. Last evaluated: 2023-03-02. Review status: criteria provided, single submitter. Criteria: GeneDx Variant Classification Process June 2021. Collection method: clinical testing. Allele origin: germline. Affected: yes. Not counted in ClinVar's aggregate classification.
Comment: Published functional studies demonstrate that the variant results in a loss of function effect on the protein (Miao et al., 2020); This substitution is predicted to be within the transmembrane segment S6 of the fourth homologous domain; Missense variants in this gene are often considered pathogenic (HGMD); Not observed at significant frequency in large population cohorts (gnomAD); This variant is associated with the following publications: (PMID: 28256214, 34469436, 34758253, 29655203, 24267886, 20196795, 23849776, 32400968, 33000761, 31785789, 31440721, 35431799, 27824329, 28379373, 24077912)

Blueprint Genetics
Classification: Pathogenic for SCN2A-related disorders. Last evaluated: 2020-05-14. Review status: criteria provided, single submitter. Criteria: ACMG Guidelines, 2015. Collection method: clinical testing. Allele origin: germline. Affected: yes. Observed: 2 variant alleles. Not counted in ClinVar's aggregate classification.

CeGaT Center for Human Genetics Tuebingen
Classification: Likely pathogenic. Last evaluated: 2019-03-01. Review status: criteria provided, single submitter. Criteria: CeGaT Center For Human Genetics Tuebingen Variant Classification Criteria Version 2. Collection method: clinical testing. Allele origin: germline. Affected: yes. Observed: 2 variant alleles. Not counted in ClinVar's aggregate classification.

Ambry Genetics
Classification: Likely pathogenic for Inborn genetic diseases. Last evaluated: 2015-12-10. Review status: criteria provided, single submitter. Criteria: Ambry exome assertion method (8-5-2015). Collection method: clinical testing. Allele origin: germline. Affected: yes. Observed: 1 variant allele. Not counted in ClinVar's aggregate classification.

Cytogénomique, Hospices Civils de Lyon
Classification: Pathogenic for Developmental and epileptic encephalopathy, 11. Review status: criteria provided, single submitter. Criteria: ACMG Guidelines, 2015. Collection method: clinical testing. Allele origin: de novo. Inheritance: Autosomal dominant inheritance. Affected: yes. Not counted in ClinVar's aggregate classification.

Neurology Department, Shenzhen Children's Hospital
Classification: Pathogenic. Last evaluated: 2022-02-16. Review status: no assertion criteria provided. Collection method: clinical testing. Allele origin: de novo. Affected: yes. Not counted in ClinVar's aggregate classification.

Channelopathy-Associated Epilepsy Research Center
No classification provided (evidence only). Condition: Complex neurodevelopmental disorder. Review status: no classification provided. Collection method: literature only. Allele origin: not applicable. Functional consequence: Normal slope of fast inactivation, Moderate hyperpolarizing shift of voltage dependence of activation, Moderate decrease in peak current, Decrease in slope of activation, Moderate depolarizing shift of voltage dependence of fast inactivation, Mild-moderate slowing of recovery from fast inactivation, Overall loss-of-function. Not counted in ClinVar's aggregate classification.
ClinVar note: "not provided" was previously submitted as the classification for the variant. However, the classification appeared to be based only on an observation of functional data so it was converted to no classification on 2025-07-30.

Genomics England Pilot Project, Genomics England
Classification: Likely pathogenic for Developmental and epileptic encephalopathy, 11. Review status: no assertion criteria provided. Criteria: ACGS Guidelines, 2016. Collection method: clinical testing. Allele origin: germline. Affected: yes. Not counted in ClinVar's aggregate classification.

Literature cited by the submitters: PubMed 32400968 (cited by 3 submitters); PubMed 31904126 (cited by Victorian Clinical Genetics Services, Murdoch Childrens Research Institute); PubMed 29691040 (cited by Victorian Clinical Genetics Services, Murdoch Childrens Research Institute); PubMed 29655203 (cited by 3billion).